The following is an entry in ClinVar:

NM_014363.6(SACS):c.12905C>G (p.Ser4302Cys)

Gene: SACS (sacsin molecular chaperone; minus strand). Cytogenetic location: 13q12.12.
Variant type: single nucleotide variant.
Coding change: c.12905C>G on transcript NM_014363.6 (MANE Select); coding-DNA position 12905, C replaced by G.
Protein change: p.Ser4302Cys; replaces serine 4302 with cysteine.
Molecular consequence: missense variant.
Genome position (GRCh38, 1-based): chr13:23,330,971, G>C on the plus strand (C>G on the coding strand, the complement: SACS is on the minus strand). VCF-style: chr13-23330971-G-C. GRCh37 (hg19) VCF-style: chr13-23905110-G-C.
Other names: c.12464C>G, p.Ser4155Cys (NM_001278055.2); c.12905C>G (NM_014363.5); short protein forms S4155C, S4302C.
Identifiers: ClinVar variation 2662486 (VCV002662486.2), dbSNP rs778808568, ClinGen allele CA387506543.

ClinVar aggregate classification (germline): Uncertain significance. Review status: criteria provided, multiple submitters, no conflicts (2 of 4 stars). 2 submissions from 2 submitters: Uncertain significance (2). Last evaluated 2026-06-09.

Conditions:
SACS-related disorder. Also called: SACS-related condition.

gnomAD v4.1: 2 of 1,614,096 alleles (0.00012%); highest among the groups gnomAD compares: Non-Finnish European, 0.00017%; no homozygotes.

Submissions (2):

PreventionGenetics, part of Exact Sciences
Classification: Uncertain significance for SACS-related condition. Last evaluated: 2026-06-09. Review status: criteria provided, single submitter. Criteria: ACMG Guidelines, 2015. Collection method: clinical testing. Allele origin: germline.
Comment: The SACS c.12905C>G variant is predicted to result in the amino acid substitution p.Ser4302Cys. To our knowledge, this variant has not been reported in the literature. This variant is reported in 0.0018% of alleles in individuals of European (Non-Finnish) descent in gnomAD. At this time, the clinical significance of this variant is uncertain due to the absence of conclusive functional and genetic evidence.

GeneDx
Classification: Uncertain significance. Last evaluated: 2023-04-16. Review status: criteria provided, single submitter. Criteria: GeneDx Variant Classification Process June 2021. Collection method: clinical testing. Allele origin: germline. Affected: yes.
Comment: Not observed at significant frequency in large population cohorts (gnomAD); In silico analysis supports that this missense variant does not alter protein structure/function; Has not been previously published as pathogenic or benign to our knowledge